The following is an entry in ClinVar:

NM_004055.5(CAPN5):c.100G>A (p.Ala34Thr)

Gene: CAPN5 (calpain 5; plus strand). Cytogenetic location: 11q13.5.
Variant type: single nucleotide variant.
Coding change: c.100G>A on transcript NM_004055.5 (MANE Select); coding-DNA position 100, G replaced by A.
Protein change: p.Ala34Thr; replaces alanine 34 with threonine.
Molecular consequence: missense variant.
Genome position (GRCh38, 1-based): chr11:77,084,986, G>A. VCF-style: chr11-77084986-G-A. GRCh37 (hg19) VCF-style: chr11-76796032-G-A.
Other names: short protein forms A34T.
Identifiers: ClinVar variation 941719 (VCV000941719.8), dbSNP rs374497977, ClinGen allele CA6196109.

ClinVar aggregate classification (germline): Conflicting classifications of pathogenicity. Review status: criteria provided, conflicting classifications (1 of 4 stars). 2 submissions from 2 submitters: Uncertain significance (1); Benign (1). Last evaluated 2025-12-19.

Allele frequency attached by ClinVar (database versions not stated): gnomAD exomes 0.00004 and 0.00007; ExAC 0.00007; ESP Exome Variant Server 0.00008; TOPMed 0.00011; gnomAD 0.00013 and 0.00016.
gnomAD v4.1: 77 of 1,613,722 alleles (0.0048%); highest among the groups gnomAD compares: African/African-American, 0.033%; no homozygotes.

Submissions (2):

Labcorp Genetics (formerly Invitae), Labcorp
Classification: Uncertain significance. Last evaluated: 2025-12-19. Review status: criteria provided, single submitter. Criteria: Invitae Variant Classification Sherloc (09022015). Collection method: clinical testing. Allele origin: germline.
Comment: This sequence change replaces alanine, which is neutral and non-polar, with threonine, which is neutral and polar, at codon 34 of the CAPN5 protein (p.Ala34Thr). This variant is present in population databases (rs374497977, gnomAD 0.07%), and has an allele count higher than expected for a pathogenic variant. This variant has not been reported in the literature in individuals affected with CAPN5-related conditions. ClinVar contains an entry for this variant (Variation ID: 941719). Invitae Evidence Modeling of protein sequence and biophysical properties (such as structural, functional, and spatial information, amino acid conservation, physicochemical variation, residue mobility, and thermodynamic stability) indicates that this missense variant is not expected to disrupt CAPN5 protein function with a negative predictive value of 80%. In summary, the available evidence is currently insufficient to determine the role of this variant in disease. Therefore, it has been classified as a Variant of Uncertain Significance.

Blueprint Genetics
Classification: Benign. Last evaluated: 2023-12-27. Review status: criteria provided, single submitter. Criteria: ACMG Guidelines, 2015. Collection method: clinical testing. Allele origin: germline.